The following is an entry in ClinVar:

NM_003560.4(PLA2G6):c.758G>T (p.Gly253Val)

Gene: PLA2G6 (phospholipase A2 group VI; minus strand). Cytogenetic location: 22q13.1.
Variant type: single nucleotide variant.
Coding change: c.758G>T on transcript NM_003560.4 (MANE Select); coding-DNA position 758, G replaced by T.
Protein change: p.Gly253Val; replaces glycine 253 with valine.
Molecular consequence: missense variant. On other transcripts: intron variant (1).
Genome position (GRCh38, 1-based): chr22:38,140,021, C>A on the plus strand (G>T on the coding strand, the complement: PLA2G6 is on the minus strand). VCF-style: chr22-38140021-C-A. GRCh37 (hg19) VCF-style: chr22-38536028-C-A.
Other names: c.758G>T, p.Gly253Val (NM_001004426.3, NM_001199562.3, NM_001349864.2 and 2 more transcripts); c.224G>T, p.Gly75Val (NM_001349867.2, NM_001349869.2); c.119+3084G>T (NM_001349868.2); short protein forms G75V, G253V.
Identifiers: ClinVar variation 1428968 (VCV001428968.8), dbSNP rs927534605, ClinGen allele CA411531308.

ClinVar aggregate classification (germline): Uncertain significance (1 of 4 stars; one submission).

Conditions:
Infantile neuroaxonal dystrophy (NBIA2A). Also called: NEURODEGENERATION WITH BRAIN IRON ACCUMULATION 2A; SEITELBERGER DISEASE; Infantile neuroaxonal dystrophy 1. Identifiers: Orphanet 35069, MedGen C0270724, MONDO:0024457, OMIM 256600.

Submission:

Labcorp Genetics (formerly Invitae), Labcorp
Classification: Uncertain significance for Infantile neuroaxonal dystrophy. Last evaluated: 2024-09-09. Review status: criteria provided, single submitter. Criteria: Invitae Variant Classification Sherloc (09022015). Collection method: clinical testing. Allele origin: germline.
Comment: This sequence change replaces glycine, which is neutral and non-polar, with valine, which is neutral and non-polar, at codon 253 of the PLA2G6 protein (p.Gly253Val). This variant is not present in population databases (gnomAD no frequency). This missense change has been observed in individual(s) with Parkinson disease (PMID: 28549837). ClinVar contains an entry for this variant (Variation ID: 1428968). Invitae Evidence Modeling of protein sequence and biophysical properties (such as structural, functional, and spatial information, amino acid conservation, physicochemical variation, residue mobility, and thermodynamic stability) indicates that this missense variant is expected to disrupt PLA2G6 protein function with a positive predictive value of 80%. In summary, the available evidence is currently insufficient to determine the role of this variant in disease. Therefore, it has been classified as a Variant of Uncertain Significance.

Literature cited by the submitters: PubMed 28549837.